The following is an entry in ClinVar:

NM_000135.4(FANCA):c.902T>C (p.Val301Ala)

Gene: FANCA (FA complementation group A; minus strand). Cytogenetic location: 16q24.3.
Variant type: single nucleotide variant.
Coding change: c.902T>C on transcript NM_000135.4 (MANE Select); coding-DNA position 902, T replaced by C.
Protein change: p.Val301Ala; replaces valine 301 with alanine.
Molecular consequence: missense variant.
Genome position (GRCh38, 1-based): chr16:89,796,010, A>G on the plus strand (T>C on the coding strand, the complement: FANCA is on the minus strand). VCF-style: chr16-89796010-A-G. GRCh37 (hg19) VCF-style: chr16-89862418-A-G.
Other names: c.902T>C, p.Val301Ala (NM_001286167.3); short protein forms V301A.
Identifiers: ClinVar variation 3512737 (VCV003512737.1).
Genomic context (GRCh38, chr16:89,796,010, plus strand): 5'-CTGAAGAACCTCTTCAGAGGATCTGTGGAAATTACACTGCCAAGCGTGTGTCCACTGAAC[A>G]CTCCGAACCTGCCAATGCAGCAGAAAGAGGGGTCAGGAAAGGGAGGGTGCCTTGCACGCC-3'
Protein context (NP_000126.2, residues 291-311): THKIVRCWFG[Val301Ala]FSGHTLGSVI

ClinVar aggregate classification (germline): Uncertain significance (1 of 4 stars; one submission).

Conditions:
Inborn genetic diseases. Identifiers: MedGen C0950123, MeSH D030342.

gnomAD v4.1: 2 of 1,613,666 alleles (0.00012%); highest among the groups gnomAD compares: Non-Finnish European, 0.00017%; no homozygotes.

Submission:

Ambry Genetics
Classification: Uncertain significance for Inborn genetic diseases. Last evaluated: 2024-12-10. Review status: criteria provided, single submitter. Criteria: Ambry Variant Classification Scheme 2023. Collection method: clinical testing. Allele origin: germline.
Comment: The p.V301A variant (also known as c.902T>C), located in coding exon 11 of the FANCA gene, results from a T to C substitution at nucleotide position 902. The valine at codon 301 is replaced by alanine, an amino acid with similar properties. This amino acid position is conserved. In addition, this alteration is predicted to be tolerated by in silico analysis. Based on the available evidence, the clinical significance of this variant remains unclear.